The following is an entry in ClinVar:

NM_005633.4(SOS1):c.3352G>T (p.Asp1118Tyr)

Gene: SOS1 (SOS Ras/Rac guanine nucleotide exchange factor 1; minus strand). Cytogenetic location: 2p22.1.
Variant type: single nucleotide variant.
Coding change: c.3352G>T on transcript NM_005633.4 (MANE Select); coding-DNA position 3352, G replaced by T.
Protein change: p.Asp1118Tyr; replaces aspartic acid 1118 with tyrosine.
Molecular consequence: missense variant. On other transcripts: intron variant (1).
Genome position (GRCh38, 1-based): chr2:38,989,309, C>A on the plus strand (G>T on the coding strand, the complement: SOS1 is on the minus strand). VCF-style: chr2-38989309-C-A. GRCh37 (hg19) VCF-style: chr2-39216450-C-A.
Other names: c.3331G>T, p.Asp1111Tyr (NM_001382394.1); c.3347-1718G>T (NM_001382395.1); short protein forms D1111Y, D1118Y.
Identifiers: ClinVar variation 1327057 (VCV001327057.1), dbSNP rs1276062555, ClinGen allele CA346359898.
Genomic context (GRCh38, chr2:38,989,309, plus strand): 5'-TCTTAAACCAAATATACTAACTTGGGCCATGGGGCAGAGTAACTTGGATAAAGACGGTAT[C>A]ATTGCCTGTGAAAGGAAACAAGAAAAAGTAGATTTTTTTCTTTCATTGATATATTCAACT-3'
Protein context (NP_005624.2, residues 1108-1128): DHSSPFHSSN[Asp1118Tyr]TVFIQVTLPH

ClinVar aggregate classification (germline): Uncertain significance (1 of 4 stars; one submission).

Conditions:
Noonan syndrome 4 (NS4). Also called: NOONAN SYNDROME WITH PIGMENTED VILLONODULAR SYNOVITIS; SOS1-Related Noonan Syndrome. Identifiers: Orphanet 648, MedGen C1853120, MONDO:0012547, OMIM 610733.

Allele frequency attached by ClinVar (database versions not stated): gnomAD exomes below 0.00001; gnomAD 0.00001; TOPMed 0.00001.
gnomAD v4.1: 2 of 1,604,542 alleles (0.00012%); highest among the groups gnomAD compares: Admixed American, 0.0033%; no homozygotes.

Submission:

Baylor Genetics
Classification: Uncertain significance for Noonan syndrome 4. Last evaluated: 2021-05-25. Review status: criteria provided, single submitter. Criteria: ACMG Guidelines, 2015. Collection method: clinical testing. Allele origin: maternal. Affected: yes. Study: CSER-TexasKidsCanSeq.
Comment: This variant was determined to be of uncertain significance according to ACMG Guidelines, 2015 [PMID:25741868].